The following is an entry in ClinVar:

NM_000051.4(ATM):c.1179G>C (p.Trp393Cys)

Gene: ATM (ATM serine/threonine kinase; plus strand). Cytogenetic location: 11q22.3.
Variant type: single nucleotide variant.
Coding change: c.1179G>C on transcript NM_000051.4 (MANE Select); coding-DNA position 1179, G replaced by C.
Protein change: p.Trp393Cys; replaces tryptophan 393 with cysteine.
Molecular consequence: missense variant.
Genome position (GRCh38, 1-based): chr11:108,249,046, G>C. VCF-style: chr11-108249046-G-C. GRCh37 (hg19) VCF-style: chr11-108119773-G-C.
Other names: c.1179G>C, p.Trp393Cys (NM_001351834.2); short protein forms W393C.
Identifiers: ClinVar variation 230441 (VCV000230441.10), dbSNP rs876658567, ClinGen allele CA10578999.

ClinVar aggregate classification (germline): Uncertain significance. Review status: criteria provided, multiple submitters, no conflicts (2 of 4 stars). 4 submissions from 4 submitters: Uncertain significance (4). Last evaluated 2025-06-20.

Conditions:
Hereditary cancer-predisposing syndrome. Also called: Hereditary Cancer Syndrome; Neoplastic Syndromes, Hereditary; Tumor predisposition; Hereditary neoplastic syndrome. Identifiers: Orphanet 140162, MedGen C0027672, MeSH D009386, MONDO:0015356.
Familial cancer of breast. Also called: Hereditary breast cancer; hereditary breast carcinoma; BREAST CANCER, FAMILIAL. Identifiers: Orphanet 227535, MedGen C0346153, MONDO:0016419, OMIM 114480. Disease mechanism: loss of function.
Ataxia-telangiectasia syndrome (AT). Also called: Ataxia telangiectasia (A-T); Ataxia-telangiectasia, complementation group E; LOUIS-BAR SYNDROME; Cerebello-oculocutaneous telangiectasia; Immunodeficiency with ataxia telangiectasia; Ataxia-telangiectasia, complementation group D. Identifiers: Orphanet 100, MedGen C0004135, MONDO:0008840, OMIM 208900.

Submissions (4):

Labcorp Genetics (formerly Invitae), Labcorp
Classification: Uncertain significance for Ataxia-telangiectasia syndrome. Last evaluated: 2025-06-20. Review status: criteria provided, single submitter. Criteria: Invitae Variant Classification Sherloc (09022015). Collection method: clinical testing. Allele origin: germline.
Comment: This sequence change replaces tryptophan, which is neutral and slightly polar, with cysteine, which is neutral and slightly polar, at codon 393 of the ATM protein (p.Trp393Cys). This variant is not present in population databases (gnomAD no frequency). This variant has not been reported in the literature in individuals affected with ATM-related conditions. ClinVar contains an entry for this variant (Variation ID: 230441). Invitae Evidence Modeling of protein sequence and biophysical properties (such as structural, functional, and spatial information, amino acid conservation, physicochemical variation, residue mobility, and thermodynamic stability) has been performed for this missense variant. However, the output from this modeling did not meet the statistical confidence thresholds required to predict the impact of this variant on ATM protein function. In summary, the available evidence is currently insufficient to determine the role of this variant in disease. Therefore, it has been classified as a Variant of Uncertain Significance.

Baylor Genetics
Classification: Uncertain significance for Familial cancer of breast. Last evaluated: 2024-02-13. Review status: criteria provided, single submitter. Criteria: ACMG Guidelines, 2015. Collection method: clinical testing. Allele origin: unknown.

Ambry Genetics
Classification: Uncertain significance for Hereditary cancer-predisposing syndrome. Last evaluated: 2023-12-13. Review status: criteria provided, single submitter. Criteria: Ambry Variant Classification Scheme 2023. Collection method: clinical testing. Allele origin: germline.
Comment: The p.W393C variant (also known as c.1179G>C), located in coding exon 8 of the ATM gene, results from a G to C substitution at nucleotide position 1179. The tryptophan at codon 393 is replaced by cysteine, an amino acid with highly dissimilar properties. This amino acid position is highly conserved in available vertebrate species. In addition, the in silico prediction for this alteration is inconclusive. Since supporting evidence is limited at this time, the clinical significance of this alteration remains unclear.

Color Diagnostics, LLC DBA Color Health
Classification: Uncertain significance for Hereditary cancer-predisposing syndrome. Last evaluated: 2019-10-14. Review status: criteria provided, single submitter. Criteria: ACMG Guidelines, 2015. Collection method: clinical testing. Allele origin: germline.
Comment: This missense variant replaces tryptophan with cysteine at codon 393 of the ATM protein. Computational prediction is inconclusive regarding the impact of this variant on protein structure and function (internally defined REVEL score threshold 0.5 < inconclusive < 0.7, PMID: 27666373). Splice site prediction tools suggest that this variant may not impact RNA splicing. To our knowledge, functional studies have not been performed for this variant. This variant has not been reported in individuals affected with hereditary cancer in the literature. This variant has not been identified in the general population by the Genome Aggregation Database (gnomAD). The available evidence is insufficient to determine the role of this variant in disease conclusively. Therefore, this variant is classified as a Variant of Uncertain Significance.